The following is an entry in ClinVar:

NM_000051.4(ATM):c.5705A>G (p.Asp1902Gly)

Gene: ATM (ATM serine/threonine kinase; plus strand). Cytogenetic location: 11q22.3.
Variant type: single nucleotide variant.
Coding change: c.5705A>G on transcript NM_000051.4 (MANE Select); coding-DNA position 5705, A replaced by G.
Protein change: p.Asp1902Gly; replaces aspartic acid 1902 with glycine.
Molecular consequence: missense variant.
Genome position (GRCh38, 1-based): chr11:108,307,927, A>G. VCF-style: chr11-108307927-A-G. GRCh37 (hg19) VCF-style: chr11-108178654-A-G.
Other names: c.5705A>G, p.Asp1902Gly (NM_001351834.2); short protein forms D1902G.
Identifiers: ClinVar variation 576967 (VCV000576967.19), dbSNP rs1565486057, ClinGen allele CA382547858.

ClinVar aggregate classification (germline): Uncertain significance. Review status: criteria provided, multiple submitters, no conflicts (2 of 4 stars). 4 submissions from 4 submitters: Uncertain significance (4). Last evaluated 2025-04-13.

Conditions:
Hereditary cancer-predisposing syndrome. Also called: Hereditary neoplastic syndrome; Tumor predisposition; Hereditary Cancer Syndrome; Neoplastic Syndromes, Hereditary. Identifiers: Orphanet 140162, MedGen C0027672, MeSH D009386, MONDO:0015356.
Ataxia-telangiectasia syndrome (AT). Also called: Cerebello-oculocutaneous telangiectasia; Immunodeficiency with ataxia telangiectasia; Ataxia telangiectasia (A-T); Ataxia-telangiectasia, complementation group E; LOUIS-BAR SYNDROME; Ataxia-telangiectasia. Identifiers: Orphanet 100, MedGen C0004135, MONDO:0008840, OMIM 208900.

gnomAD v4.1: 1 of 1,613,922 alleles (0.000062%); highest among the groups gnomAD compares: Non-Finnish European, 0.000085%; no homozygotes.

Submissions (4):

Labcorp Genetics (formerly Invitae), Labcorp
Classification: Uncertain significance for Ataxia-telangiectasia syndrome. Last evaluated: 2025-04-13. Review status: criteria provided, single submitter. Criteria: Invitae Variant Classification Sherloc (09022015). Collection method: clinical testing. Allele origin: germline.
Comment: This sequence change replaces aspartic acid, which is acidic and polar, with glycine, which is neutral and non-polar, at codon 1902 of the ATM protein (p.Asp1902Gly). This variant is not present in population databases (gnomAD no frequency). This missense change has been observed in individual(s) with uterine cancer (PMID: 34326862). ClinVar contains an entry for this variant (Variation ID: 576967). Invitae Evidence Modeling of protein sequence and biophysical properties (such as structural, functional, and spatial information, amino acid conservation, physicochemical variation, residue mobility, and thermodynamic stability) indicates that this missense variant is not expected to disrupt ATM protein function with a negative predictive value of 95%. RNA analysis performed to evaluate the impact of this missense change on mRNA splicing indicates it does not significantly alter splicing (internal data). In summary, the available evidence is currently insufficient to determine the role of this variant in disease. Therefore, it has been classified as a Variant of Uncertain Significance.

Ambry Genetics
Classification: Uncertain significance for Hereditary cancer-predisposing syndrome. Last evaluated: 2024-09-18. Review status: criteria provided, single submitter. Criteria: Ambry Variant Classification Scheme 2023. Collection method: clinical testing. Allele origin: germline.
Comment: The p.D1902G variant (also known as c.5705A>G), located in coding exon 37 of the ATM gene, results from an A to G substitution at nucleotide position 5705. The aspartic acid at codon 1902 is replaced by glycine, an amino acid with similar properties. This amino acid position is well conserved in available vertebrate species. In addition, the in silico prediction for this alteration is inconclusive. Based on the available evidence, the clinical significance of this variant remains unclear.

Color Diagnostics, LLC DBA Color Health
Classification: Uncertain significance for Hereditary cancer-predisposing syndrome. Last evaluated: 2023-12-06. Review status: criteria provided, single submitter. Criteria: ACMG Guidelines, 2015. Collection method: clinical testing. Allele origin: germline.
Comment: This missense variant replaces aspartic acid with glycine at codon 1902 of the ATM protein. Computational prediction suggests that this variant may not impact protein structure and function (internally defined REVEL score threshold <= 0.5, PMID: 27666373). To our knowledge, functional studies have not been reported for this variant. This variant has not been reported in individuals affected with ATM-related disorders in the literature. This variant has not been identified in the general population by the Genome Aggregation Database (gnomAD). The available evidence is insufficient to determine the role of this variant in disease conclusively. Therefore, this variant is classified as a Variant of Uncertain Significance.

Sema4
Classification: Uncertain significance for Hereditary cancer-predisposing syndrome. Last evaluated: 2022-02-19. Review status: criteria provided, single submitter. Criteria: Sema4 Curation Guidelines. Collection method: curation. Allele origin: germline.
Comment: The ATM c.5705A>G (p.D1902G) variant has not been reported in the literature to our knowledge. This variant is not reported in the population database Genome Aggregation Database (PMID: 32461654). The variant has been reported in ClinVar (Variation ID: 576967). Functional studies have not been performed, and in silico predictions of the variant's effect on protein function are inconclusive. The evidence is insufficient to meet ACMG/AMP criteria for classifying the variant as benign or pathogenic. Thus, the clinical significance of this variant is currently uncertain.

Literature cited by the submitters: PubMed 34326862 (cited by Labcorp Genetics (formerly Invitae), Labcorp).